The following is an entry in ClinVar:

NM_001159699.2(FHL1):c.215A>T (p.Tyr72Phe)

Gene: FHL1 (four and a half LIM domains 1; plus strand). Cytogenetic location: Xq26.3.
Variant type: single nucleotide variant.
Coding change: c.215A>T on transcript NM_001159699.2 (MANE Select); coding-DNA position 215, A replaced by T.
Protein change: p.Tyr72Phe; replaces tyrosine 72 with phenylalanine.
Molecular consequence: missense variant. On other transcripts: non-coding transcript variant (1).
Genome position (GRCh38, 1-based): chrX:136,207,026, A>T. VCF-style: chrX-136207026-A-T. GRCh37 (hg19) VCF-style: chrX-135289185-A-T.
Other names: c.167A>T, p.Tyr56Phe (NM_001159700.2, NM_001159702.3, NM_001159703.2 and 9 more transcripts); c.254A>T, p.Tyr85Phe (NM_001159701.2); c.215A>T, p.Tyr72Phe (NM_001330659.2); short protein forms Y85F, Y56F, Y72F.
Identifiers: ClinVar variation 2102114 (VCV002102114.4), dbSNP rs758269641, ClinGen allele CA414607900.

ClinVar aggregate classification (germline): Uncertain significance (1 of 4 stars; one submission).

Conditions:
X-linked myopathy with postural muscle atrophy. Also called: FHL1-Related Emery-Dreifuss Muscular Dystrophy, X-Linked. Identifiers: Orphanet 178461, MedGen C2678055, MONDO:0010401, OMIM 300696.

Submission:

Labcorp Genetics (formerly Invitae), Labcorp
Classification: Uncertain significance for X-linked myopathy with postural muscle atrophy. Last evaluated: 2022-10-08. Review status: criteria provided, single submitter. Criteria: Invitae Variant Classification Sherloc (09022015). Collection method: clinical testing. Allele origin: germline.
Comment: This sequence change replaces tyrosine, which is neutral and polar, with phenylalanine, which is neutral and non-polar, at codon 56 of the FHL1 protein (p.Tyr56Phe). This variant is not present in population databases (gnomAD no frequency). This variant has not been reported in the literature in individuals affected with FHL1-related conditions. Algorithms developed to predict the effect of missense changes on protein structure and function are either unavailable or do not agree on the potential impact of this missense change (SIFT: "Deleterious"; PolyPhen-2: "Benign"; Align-GVGD: "Class C0"). In summary, the available evidence is currently insufficient to determine the role of this variant in disease. Therefore, it has been classified as a Variant of Uncertain Significance.